The following is an entry in ClinVar:

ClinVar aggregate classification (germline): Benign/Likely benign. Review status: criteria provided, multiple submitters, no conflicts (2 of 4 stars). 3 submissions from 3 submitters: Benign (1); Likely benign (1). 1 of the submissions does not count toward it. Last evaluated 2026-08-01.

Conditions:
Malignant tumor of breast. Also called: Cancer breast; Malignant breast neoplasm. Identifiers: MedGen C0006142, MONDO:0007254. Disease mechanism: loss of function.
Hereditary breast ovarian cancer syndrome. Also called: Hereditary breast and ovarian cancer syndrome; Breast and ovarian cancer; BRCA1- and BRCA2-Associated Hereditary Breast and Ovarian Cancer; Hereditary breast and ovarian cancer syndrome (HBOC); Hereditary breast and/or ovarian cancer syndrome; Hereditary breast and ovarian cancer. Identifiers: Orphanet 145, MedGen C0677776, MeSH D061325, MONDO:0003582. Disease mechanism: loss of function.

Allele frequency attached by ClinVar (database versions not stated): gnomAD exomes 0.00001.
gnomAD v4.1: 8 of 1,614,162 alleles (0.0005%); highest among the groups gnomAD compares: Non-Finnish European, 0.00068%; no homozygotes.

Submissions (3):

CeGaT Center for Human Genetics Tuebingen
Classification: Likely benign. Last evaluated: 2026-08-01. Review status: criteria provided, single submitter. Criteria: CeGaT Center For Human Genetics Tuebingen Variant Classification Criteria Version 2. Collection method: clinical testing. Allele origin: germline. Affected: yes. Observed: 25 variant alleles.
Comment: BRCA2: BP4, BP7

Labcorp Genetics (formerly Invitae), Labcorp
Classification: Benign for Hereditary breast ovarian cancer syndrome. Last evaluated: 2026-02-04. Review status: criteria provided, single submitter. Criteria: Invitae Variant Classification Sherloc (09022015). Collection method: clinical testing. Allele origin: germline.

Department of Pathology and Laboratory Medicine, Sinai Health System
Classification: Likely benign for Malignant tumor of breast. Review status: no assertion criteria provided. Collection method: clinical testing. Allele origin: unknown. Affected: yes. Study: The Canadian Open Genetics Repository (COGR). Not counted in ClinVar's aggregate classification.
Comment: The BRCA2 p.Val3365= variant was not identified in the literature nor was it identified in the LOVD 3.0, or UMD-LSDB, databases. The variant was identified in dbSNP (ID: rs1060504607) as "With Benign allele", and in ClinVar (classified as benign by Invitae). The variant was not identified in the following control databases: the Exome Aggregation Consortium (August 8th 2016), or the Genome Aggregation Database (Feb 27, 2017). The p.Val3365= variant is not expected to have clinical significance because it does not result in a change of amino acid and is not located in a known consensus splice site. In addition, in silico or computational prediction software programs (SpliceSiteFinder, MaxEntScan, NNSPLICE, GeneSplicer) do not predict a difference in splicing. In summary, based on the above information the clinical significance of this variant cannot be determined with certainty at this time although we would lean towards a more benign role for this variant. This variant is classified as likely benign.

NM_000059.4(BRCA2):c.10095C>T (p.Val3365=)

Gene: BRCA2 (BRCA2 DNA repair associated; plus strand). Cytogenetic location: 13q13.1.
Variant type: single nucleotide variant.
Coding change: c.10095C>T on transcript NM_000059.4 (MANE Select); coding-DNA position 10095, C replaced by T.
Protein change: p.Val3365=; no amino-acid change (valine 3365 retained).
Molecular consequence: synonymous variant.
Genome position (GRCh38, 1-based): chr13:32,398,608, C>T. VCF-style: chr13-32398608-C-T. GRCh37 (hg19) VCF-style: chr13-32972745-C-T.
Identifiers: ClinVar variation 415647 (VCV000415647.39), dbSNP rs1060504607, ClinGen allele CA16614031.